The following is an entry in ClinVar:

NM_182914.3(SYNE2):c.17156C>G (p.Thr5719Ser)

Gene: SYNE2 (spectrin repeat containing nuclear envelope protein 2; plus strand). Cytogenetic location: 14q23.2.
Variant type: single nucleotide variant.
Coding change: c.17156C>G on transcript NM_182914.3 (MANE Select); coding-DNA position 17156, C replaced by G.
Protein change: p.Thr5719Ser; replaces threonine 5719 with serine.
Molecular consequence: missense variant.
Genome position (GRCh38, 1-based): chr14:64,170,383, C>G. VCF-style: chr14-64170383-C-G. GRCh37 (hg19) VCF-style: chr14-64637101-C-G.
Other names: c.17156C>G, p.Thr5719Ser (NM_015180.6); short protein forms T5719S.
Identifiers: ClinVar variation 3608827 (VCV003608827.2).

ClinVar aggregate classification (germline): Uncertain significance (1 of 4 stars; one submission).

Conditions:
Emery-Dreifuss muscular dystrophy 5, autosomal dominant (EDMD5). Also called: EMERY-DREIFUSS MUSCULAR DYSTROPHY 5. Identifiers: Orphanet 261, MedGen C2751805, MONDO:0013072, OMIM 612999.

gnomAD v4.1: 1 of 1,614,068 alleles (0.000062%); highest among the groups gnomAD compares: African/African-American, 0.0013%; no homozygotes.

Submission:

Labcorp Genetics (formerly Invitae), Labcorp
Classification: Uncertain significance for Emery-Dreifuss muscular dystrophy 5, autosomal dominant. Last evaluated: 2024-03-20. Review status: criteria provided, single submitter. Criteria: Invitae Variant Classification Sherloc (09022015). Collection method: clinical testing. Allele origin: germline.
Comment: This sequence change replaces threonine, which is neutral and polar, with serine, which is neutral and polar, at codon 5719 of the SYNE2 protein (p.Thr5719Ser). This variant is present in population databases (no rsID available, gnomAD 0.01%). This variant has not been reported in the literature in individuals affected with SYNE2-related conditions. An algorithm developed to predict the effect of missense changes on protein structure and function (PolyPhen-2) suggests that this variant is likely to be disruptive. In summary, the available evidence is currently insufficient to determine the role of this variant in disease. Therefore, it has been classified as a Variant of Uncertain Significance.